The following is an entry in ClinVar:

ClinVar aggregate classification (germline): Uncertain significance (1 of 4 stars; one submission).

Submission:

Labcorp Genetics (formerly Invitae), Labcorp
Classification: Uncertain significance. Last evaluated: 2025-05-28. Review status: criteria provided, single submitter. Criteria: Invitae Variant Classification Sherloc (09022015). Collection method: clinical testing. Allele origin: germline.
Comment: This sequence change replaces proline, which is neutral and non-polar, with serine, which is neutral and polar, at codon 31 of the ANXA11 protein (p.Pro31Ser). This variant is not present in population databases (gnomAD no frequency). This variant has not been reported in the literature in individuals affected with ANXA11-related conditions. Experimental studies and prediction algorithms are not available or were not evaluated, and the functional significance of this variant is currently unknown. In summary, the available evidence is currently insufficient to determine the role of this variant in disease. Therefore, it has been classified as a Variant of Uncertain Significance.

NM_145868.2(ANXA11):c.91C>T (p.Pro31Ser)

Gene: ANXA11 (annexin A11; minus strand). Cytogenetic location: 10q22.3.
Variant type: single nucleotide variant.
Coding change: c.91C>T on transcript NM_145868.2 (MANE Select); coding-DNA position 91, C replaced by T.
Protein change: p.Pro31Ser; replaces proline 31 with serine.
Molecular consequence: missense variant. On other transcripts: 5 prime UTR variant (1).
Genome position (GRCh38, 1-based): chr10:80,170,880, G>A on the plus strand (C>T on the coding strand, the complement: ANXA11 is on the minus strand). VCF-style: chr10-80170880-G-A. GRCh37 (hg19) VCF-style: chr10-81930636-G-A.
Other names: c.91C>T, p.Pro31Ser (NM_001157.3, NM_001278407.2, NM_001278408.2 and 1 more transcripts); c.-9C>T (NM_001278409.2); short protein forms P31S.
Identifiers: ClinVar variation 4700621 (VCV004700621.1).